The following is an entry in ClinVar:

NM_004380.3(CREBBP):c.140A>G (p.Asn47Ser)

Gene: CREBBP (CREB binding lysine acetyltransferase; minus strand). Cytogenetic location: 16p13.3.
Variant type: single nucleotide variant.
Coding change: c.140A>G on transcript NM_004380.3 (MANE Select); coding-DNA position 140, A replaced by G.
Protein change: p.Asn47Ser; replaces asparagine 47 with serine.
Molecular consequence: missense variant.
Genome position (GRCh38, 1-based): chr16:3,850,955, T>C on the plus strand (A>G on the coding strand, the complement: CREBBP is on the minus strand). VCF-style: chr16-3850955-T-C. GRCh37 (hg19) VCF-style: chr16-3900956-T-C.
Other names: c.140A>G (NM_004380.2); c.140A>G, p.Asn47Ser (NM_001079846.1); short protein forms N47S.
Identifiers: ClinVar variation 2167698 (VCV002167698.5), dbSNP rs536856848, ClinGen allele CA7870730.

ClinVar aggregate classification (germline): Conflicting classifications of pathogenicity. Review status: criteria provided, conflicting classifications (1 of 4 stars). 2 submissions from 2 submitters: Uncertain significance (1); Benign (1). Last evaluated 2025-09-15.

Conditions:
CREBBP-related disorder. Also called: CREBBP-related disorders; CREBBP-related condition.
Rubinstein-Taybi syndrome (RSTS). Identifiers: Orphanet 783, MedGen C0035934, MONDO:0019188.

Allele frequency attached by ClinVar (database versions not stated): gnomAD exomes 0.00002; TOPMed 0.00002; ExAC 0.00003; gnomAD 0.00003.
gnomAD v4.1: 33 of 1,614,054 alleles (0.002%); highest among the groups gnomAD compares: Non-Finnish European, 0.0025%; no homozygotes.

Submissions (2):

Labcorp Genetics (formerly Invitae), Labcorp
Classification: Benign for Rubinstein-Taybi syndrome. Last evaluated: 2025-09-15. Review status: criteria provided, single submitter. Criteria: Invitae Variant Classification Sherloc (09022015). Collection method: clinical testing. Allele origin: germline.

PreventionGenetics, part of Exact Sciences
Classification: Uncertain significance for CREBBP-related condition. Last evaluated: 2022-08-24. Review status: criteria provided, single submitter. Criteria: ACMG Guidelines, 2015. Collection method: clinical testing. Allele origin: germline.
Comment: The CREBBP c.140A>G variant is predicted to result in the amino acid substitution p.Asn47Ser. To our knowledge, this variant has not been reported in the literature. This variant is reported in 0.0054% of alleles in individuals of East Asian descent in gnomAD. At this time, the clinical significance of this variant is uncertain due to the absence of conclusive functional and genetic evidence.